The following is an entry in ClinVar:

NM_001034850.3(RETREG1):c.767G>A (p.Gly256Glu)

Gene: RETREG1 (reticulophagy regulator 1; minus strand). Cytogenetic location: 5p15.1.
Variant type: single nucleotide variant.
Coding change: c.767G>A on transcript NM_001034850.3 (MANE Select); coding-DNA position 767, G replaced by A.
Protein change: p.Gly256Glu; replaces glycine 256 with glutamic acid.
Molecular consequence: missense variant.
Genome position (GRCh38, 1-based): chr5:16,478,891, C>T on the plus strand (G>A on the coding strand, the complement: RETREG1 is on the minus strand). VCF-style: chr5-16478891-C-T. GRCh37 (hg19) VCF-style: chr5-16479000-C-T.
Other names: c.344G>A, p.Gly115Glu (NM_019000.5); short protein forms G256E, G115E.
Identifiers: ClinVar variation 2061696 (VCV002061696.4), dbSNP rs950385242, ClinGen allele CA114757750.

ClinVar aggregate classification (germline): Uncertain significance (1 of 4 stars; one submission).

Allele frequency attached by ClinVar (database versions not stated): gnomAD exomes below 0.00001.
gnomAD v4.1: 2 of 1,612,386 alleles (0.00012%); highest among the groups gnomAD compares: Non-Finnish European, 0.00017%; no homozygotes.

Submission:

Labcorp Genetics (formerly Invitae), Labcorp
Classification: Uncertain significance. Last evaluated: 2023-04-19. Review status: criteria provided, single submitter. Criteria: Invitae Variant Classification Sherloc (09022015). Collection method: clinical testing. Allele origin: germline.
Comment: In summary, the available evidence is currently insufficient to determine the role of this variant in disease. Therefore, it has been classified as a Variant of Uncertain Significance. Advanced modeling of protein sequence and biophysical properties (such as structural, functional, and spatial information, amino acid conservation, physicochemical variation, residue mobility, and thermodynamic stability) performed at Invitae indicates that this missense variant is expected to disrupt RETREG1 protein function. ClinVar contains an entry for this variant (Variation ID: 2061696). This variant has not been reported in the literature in individuals affected with RETREG1-related conditions. This variant is not present in population databases (gnomAD no frequency). This sequence change replaces glycine, which is neutral and non-polar, with glutamic acid, which is acidic and polar, at codon 256 of the RETREG1 protein (p.Gly256Glu).